The following is an entry in ClinVar:

NM_022455.5(NSD1):c.395G>A (p.Cys132Tyr)

Gene: NSD1 (nuclear receptor binding SET domain protein 1; plus strand). Cytogenetic location: 5q35.3.
Variant type: single nucleotide variant.
Coding change: c.395G>A on transcript NM_022455.5 (MANE Select); coding-DNA position 395, G replaced by A.
Protein change: p.Cys132Tyr; replaces cysteine 132 with tyrosine.
Molecular consequence: missense variant. On other transcripts: intron variant (7).
Genome position (GRCh38, 1-based): chr5:177,135,498, G>A. VCF-style: chr5-177135498-G-A. GRCh37 (hg19) VCF-style: chr5-176562499-G-A.
Other names: c.395G>A, p.Cys132Tyr (NM_001409301.1, NM_001409302.1, NM_001409303.1 and 1 more transcripts); c.-37+298G>A (NM_001409305.1, NM_001409306.1, NM_001409308.1 and 4 more transcripts); short protein forms C132Y.
Identifiers: ClinVar variation 2629849 (VCV002629849.4), dbSNP rs28932174, ClinGen allele CA362293081.
Genomic context (GRCh38, chr5:177,135,498, plus strand): 5'-TTTGCACTTCCTTGAGTCCTGGTGGTCCTACAGCACTTGCTATGAAACAGGAACCCTCTT[G>A]TAATAACTCCCCTGAACTCCAGGTAAAAGTAACAAAGACTATCAAGAATGGCTTTCTGCA-3'
Protein context (NP_071900.2, residues 122-142): TALAMKQEPS[Cys132Tyr]NNSPELQVKV

ClinVar aggregate classification (germline): Uncertain significance. Review status: criteria provided, multiple submitters, no conflicts (2 of 4 stars). 3 submissions from 3 submitters: Uncertain significance (3). Last evaluated 2025-09-01.

Conditions:
NSD1-related disorder. Also called: NSD1-related condition.
Inborn genetic diseases. Identifiers: MedGen C0950123, MeSH D030342.

gnomAD v4.1: 1 of 1,614,096 alleles (0.000062%); highest among the groups gnomAD compares: East Asian, 0.0022%; no homozygotes.

Submissions (3):

Ambry Genetics
Classification: Uncertain significance for Inborn genetic diseases. Last evaluated: 2025-09-01. Review status: criteria provided, single submitter. Criteria: Ambry Variant Classification Scheme 2023. Collection method: clinical testing. Allele origin: germline.

Labcorp Genetics (formerly Invitae), Labcorp
Classification: Uncertain significance. Last evaluated: 2024-03-22. Review status: criteria provided, single submitter. Criteria: Invitae Variant Classification Sherloc (09022015). Collection method: clinical testing. Allele origin: germline.
Comment: This sequence change replaces cysteine, which is neutral and slightly polar, with tyrosine, which is neutral and polar, at codon 132 of the NSD1 protein (p.Cys132Tyr). This variant is not present in population databases (gnomAD no frequency). This variant has not been reported in the literature in individuals affected with NSD1-related conditions. ClinVar contains an entry for this variant (Variation ID: 2629849). Advanced modeling of protein sequence and biophysical properties (such as structural, functional, and spatial information, amino acid conservation, physicochemical variation, residue mobility, and thermodynamic stability) performed at Invitae indicates that this missense variant is not expected to disrupt NSD1 protein function with a negative predictive value of 95%. In summary, the available evidence is currently insufficient to determine the role of this variant in disease. Therefore, it has been classified as a Variant of Uncertain Significance.

PreventionGenetics, part of Exact Sciences
Classification: Uncertain significance for NSD1-related condition. Last evaluated: 2022-12-30. Review status: criteria provided, single submitter. Criteria: ACMG Guidelines, 2015. Collection method: clinical testing. Allele origin: germline.
Comment: The NSD1 c.395G>A variant is predicted to result in the amino acid substitution p.Cys132Tyr. To our knowledge, this variant has not been reported in the literature or in a large population database, indicating this variant is rare. At this time, the clinical significance of this variant is uncertain due to the absence of conclusive functional and genetic evidence.